The following is an entry in ClinVar:

ClinVar aggregate classification (germline): Likely benign. Review status: criteria provided, multiple submitters, no conflicts (2 of 4 stars). 2 submissions from 2 submitters: Likely benign (2). Last evaluated 2022-11-08.

Allele frequency attached by ClinVar (database versions not stated): TOPMed below 0.00001; gnomAD 0.00001.
gnomAD v4.1: 3 of 1,614,132 alleles (0.00019%); highest among the groups gnomAD compares: Admixed American, 0.0017%; no homozygotes.

Submissions (2):

Blueprint Genetics
Classification: Likely benign. Last evaluated: 2022-11-08. Review status: criteria provided, single submitter. Criteria: ACMG Guidelines, 2015. Collection method: clinical testing. Allele origin: germline.

CeGaT Center for Human Genetics Tuebingen
Classification: Likely benign. Last evaluated: 2022-10-01. Review status: criteria provided, single submitter. Criteria: CeGaT Center For Human Genetics Tuebingen Variant Classification Criteria Version 2. Collection method: clinical testing. Allele origin: germline. Affected: yes. Observed: 1 variant allele.
Comment: PIGV: BP4, BP7

NM_017837.4(PIGV):c.576T>C (p.Ser192=)

Gene: PIGV (phosphatidylinositol glycan anchor biosynthesis class V; plus strand). Cytogenetic location: 1p36.11.
Variant type: single nucleotide variant.
Coding change: c.576T>C on transcript NM_017837.4 (MANE Select); coding-DNA position 576, T replaced by C.
Protein change: p.Ser192=; no amino-acid change (serine 192 retained).
Molecular consequence: synonymous variant. On other transcripts: non-coding transcript variant (1), intron variant (3).
Genome position (GRCh38, 1-based): chr1:26,794,610, T>C. VCF-style: chr1-26794610-T-C. GRCh37 (hg19) VCF-style: chr1-27121101-T-C.
Other names: c.576T>C, p.Ser192= (NM_001202554.2, NM_001374478.1, NM_001374480.1 and 2 more transcripts); c.195T>C, p.Ser65= (NM_001374483.1); c.173-224T>C (NM_001374484.1, NM_001374485.1); c.79-2953T>C (NM_001374486.1).
Identifiers: ClinVar variation 2638548 (VCV002638548.25), dbSNP rs1254349993, ClinGen allele CA416969533.